The following is an entry in ClinVar:

ClinVar aggregate classification (germline): Pathogenic (1 of 4 stars; one submission).

Submission:

Labcorp Genetics (formerly Invitae), Labcorp
Classification: Pathogenic. Last evaluated: 2022-12-17. Review status: criteria provided, single submitter. Criteria: Invitae Variant Classification Sherloc (09022015). Collection method: clinical testing. Allele origin: germline.
Comment: For these reasons, this variant has been classified as Pathogenic. This variant has not been reported in the literature in individuals affected with FH-related conditions. This variant is not present in population databases (gnomAD no frequency). This sequence change creates a premature translational stop signal (p.Asn390Thrfs*16) in the FH gene. It is expected to result in an absent or disrupted protein product. Loss-of-function variants in FH are known to be pathogenic (PMID: 11865300, 21398687).

Literature cited by the submitters: PubMed 11865300; PubMed 21398687.

NM_000143.4(FH):c.1167del (p.Asn390fs)

Gene: FH (fumarate hydratase; minus strand). Cytogenetic location: 1q43.
Variant type: Deletion.
Coding change: c.1167del on transcript NM_000143.4 (MANE Select); coding-DNA position 1167, one base deleted (G; older notation c.1167delG).
Protein change: p.Asn390fs; shifts the reading frame from asparagine 390.
Molecular consequence: frameshift variant.
Genome position (GRCh38, 1-based): chr1:241,502,512, C deleted on the plus strand (G on the coding strand, the reverse complement: FH is on the minus strand); the first of 4 consecutive C bases (chr1:241,502,512-241,502,515); deleting any one gives the same sequence. VCF-style (leftmost placement, unchanged base first): chr1-241502511-TC-T. GRCh37 (hg19) VCF-style: chr1-241665811-TC-T.
Other names: short protein forms N390fs.
Identifiers: ClinVar variation 2920493 (VCV002920493.3), dbSNP rs2527316654, ClinGen allele CA2739274035.